The following is an entry in ClinVar:

ClinVar aggregate classification (germline): Conflicting classifications of pathogenicity. Review status: criteria provided, conflicting classifications (1 of 4 stars). 2 submissions from 2 submitters: Uncertain significance (1); Benign (1). Last evaluated 2025-09-09.

Conditions:
Hereditary cancer-predisposing syndrome. Also called: Hereditary Cancer Syndrome; Hereditary neoplastic syndrome; Neoplastic Syndromes, Hereditary; Tumor predisposition. Identifiers: Orphanet 140162, MedGen C0027672, MeSH D009386, MONDO:0015356.
Familial adenomatous polyposis 2. Also called: MUTYH-associated polyposis; MUTYH-related attenuated familial adenomatous polyposis; FAP type 2; Adenomas, multiple colorectal; MYH-associated polyposis; MUTYH Polyposis. Identifiers: Orphanet 220460, Orphanet 247798, MedGen C3272841, MONDO:0012041, OMIM 608456.

gnomAD v4.1: 2 of 1,614,134 alleles (0.00012%); highest among the groups gnomAD compares: Non-Finnish European, 0.00017%; no homozygotes.

Submissions (2):

Ambry Genetics
Classification: Benign for Hereditary cancer-predisposing syndrome. Last evaluated: 2025-09-09. Review status: criteria provided, single submitter. Criteria: Ambry Variant Classification Scheme 2023. Collection method: clinical testing. Allele origin: germline.

Labcorp Genetics (formerly Invitae), Labcorp
Classification: Uncertain significance for Familial adenomatous polyposis 2. Last evaluated: 2022-07-23. Review status: criteria provided, single submitter. Criteria: Invitae Variant Classification Sherloc (09022015). Collection method: clinical testing. Allele origin: germline.
Comment: In summary, the available evidence is currently insufficient to determine the role of this variant in disease. Therefore, it has been classified as a Variant of Uncertain Significance. Algorithms developed to predict the effect of missense changes on protein structure and function (SIFT, PolyPhen-2, Align-GVGD) all suggest that this variant is likely to be tolerated. This variant has not been reported in the literature in individuals affected with MUTYH-related conditions. This variant is not present in population databases (gnomAD no frequency). This sequence change replaces proline, which is neutral and non-polar, with glutamine, which is neutral and polar, at codon 516 of the MUTYH protein (p.Pro516Gln).

NM_001048174.2(MUTYH):c.1463C>A (p.Pro488Gln)

Gene: MUTYH (mutY DNA glycosylase; minus strand). Cytogenetic location: 1p34.1.
Variant type: single nucleotide variant.
Coding change: c.1463C>A on transcript NM_001048174.2 (MANE Select); coding-DNA position 1463, C replaced by A.
Protein change: p.Pro488Gln; replaces proline 488 with glutamine.
Molecular consequence: missense variant. On other transcripts: non-coding transcript variant (2).
Genome position (GRCh38, 1-based): chr1:45,329,409, G>T on the plus strand (C>A on the coding strand, the complement: MUTYH is on the minus strand). VCF-style: chr1-45329409-G-T. GRCh37 (hg19) VCF-style: chr1-45795081-G-T.
Other names: c.1508C>A, p.Pro503Gln (NM_001293190.2); c.1496C>A, p.Pro499Gln (NM_001293191.2, NM_001407069.1, NM_001407077.1); c.1187C>A, p.Pro396Gln (NM_001293192.2, NM_001293196.2, NM_001407091.1); c.1463C>A, p.Pro488Gln (NM_001293195.2, NM_001407070.1, NM_001407088.1 and 6 more transcripts); c.1118C>A, p.Pro373Gln (NM_001350650.2, NM_001350651.2, NM_001407082.1); c.1505C>A, p.Pro502Gln (NM_001407083.1, NM_001407085.1); c.1466C>A, p.Pro489Gln (NM_001407086.1, NM_001048172.2, NM_001407071.1 and 1 more transcripts); c.1484C>A, p.Pro495Gln (NM_001407087.1); and 5 more; short protein forms P373Q, P396Q, P460Q, P474Q, P475Q, P488Q, P489Q, P495Q.
Identifiers: ClinVar variation 1713405 (VCV001713405.9), dbSNP rs587778542, ClinGen allele CA340131856.